The following is an entry in ClinVar:

ClinVar aggregate classification (germline): Pathogenic. Review status: criteria provided, single submitter (1 of 4 stars). 2 submissions from 2 submitters: Pathogenic (1). 1 of the submissions does not count toward it. Last evaluated 2024-01-18.

Conditions:
Cystinuria (CSNU). Also called: Cystinuria, non-type I; CYSTINURIA, TYPE I; CYSTINURIA, TYPE II; CYSTINURIA, TYPE III. Identifiers: Orphanet 214, MedGen C0010691, MONDO:0009067, OMIM 220100, HP:0003131.

Allele frequency attached by ClinVar (database versions not stated): ExAC 0.00002; gnomAD 0.00002; gnomAD exomes 0.00002; TOPMed 0.00002.
gnomAD v4.1: 37 of 1,613,650 alleles (0.0023%); highest among the groups gnomAD compares: East Asian, 0.0045%; no homozygotes.

Submissions (2):

Labcorp Genetics (formerly Invitae), Labcorp
Classification: Pathogenic for Cystinuria. Last evaluated: 2024-01-18. Review status: criteria provided, single submitter. Criteria: Invitae Variant Classification Sherloc (09022015). Collection method: clinical testing. Allele origin: germline.
Comment: This sequence change affects codon 337 of the SLC3A1 mRNA. It is a 'silent' change, meaning that it does not change the encoded amino acid sequence of the SLC3A1 protein. RNA analysis indicates that this variant induces altered splicing and likely results in a shortened protein product. This variant is present in population databases (rs772810111, gnomAD 0.006%). This variant has been observed in individuals with cystinuria (PMID: 9648062, 28717662). Variants that disrupt the consensus splice site are a relatively common cause of aberrant splicing (PMID: 17576681, 9536098). Studies have shown that this variant results in skipping of exon 5, but is expected to preserve the integrity of the reading-frame (PMID: 28717662). For these reasons, this variant has been classified as Pathogenic.

Chinese Inherited Urolithiasis Consortium, The Affiliated Yantai Yuhuangding Hospital of Qingdao University
Classification: Likely pathogenic for Cystinuria. Last evaluated: 2024-08-26. Review status: no assertion criteria provided. Collection method: clinical testing. Allele origin: paternal. Affected: yes. Observed: 1 variant allele. Not counted in ClinVar's aggregate classification.

Literature cited by the submitters: PubMed 9648062 (cited by Labcorp Genetics (formerly Invitae), Labcorp); PubMed 28717662 (cited by Labcorp Genetics (formerly Invitae), Labcorp); PubMed 17576681 (cited by Labcorp Genetics (formerly Invitae), Labcorp); PubMed 9536098 (cited by Labcorp Genetics (formerly Invitae), Labcorp).

NM_000341.4(SLC3A1):c.1011G>A (p.Pro337=)

Gene: SLC3A1 (solute carrier family 3 member 1; plus strand). Cytogenetic location: 2p21.
Variant type: single nucleotide variant.
Coding change: c.1011G>A on transcript NM_000341.4 (MANE Select); coding-DNA position 1011, G replaced by A.
Protein change: p.Pro337=; no amino-acid change (proline 337 retained).
Molecular consequence: synonymous variant.
Genome position (GRCh38, 1-based): chr2:44,300,090, G>A. VCF-style: chr2-44300090-G-A. GRCh37 (hg19) VCF-style: chr2-44527229-G-A.
Identifiers: ClinVar variation 2734175 (VCV002734175.5), dbSNP rs772810111, ClinGen allele CA1640355.